The following is an entry in ClinVar:

NM_005570.4(LMAN1):c.27C>G (p.Leu9=)

Genes: LMAN1 (lectin, mannose binding 1; minus strand), LOC130062607 (ATAC-STARR-seq lymphoblastoid active region 13415; plus strand). Cytogenetic location: 18q21.32.
Variant type: single nucleotide variant.
Coding change: c.27C>G on transcript NM_005570.4 (MANE Select); coding-DNA position 27, C replaced by G.
Protein change: p.Leu9=; no amino-acid change (leucine 9 retained).
Molecular consequence: synonymous variant.
Genome position (GRCh38, 1-based): chr18:59,359,218, G>C on the plus strand (C>G on the coding strand, the complement: LMAN1 is on the minus strand). VCF-style: chr18-59359218-G-C. GRCh37 (hg19) VCF-style: chr18-57026450-G-C.
Identifiers: ClinVar variation 327580 (VCV000327580.12), dbSNP rs747955217, ClinGen allele CA8980100.

ClinVar aggregate classification (germline): Conflicting classifications of pathogenicity. Review status: criteria provided, conflicting classifications (1 of 4 stars). 4 submissions from 4 submitters: Uncertain significance (1); Likely benign (2). 1 of the submissions does not count toward it. Last evaluated 2026-02-01.

Conditions:
LMAN1-related disorder. Also called: LMAN1-related condition.
Factor V and factor VIII, combined deficiency of, type 1. Also called: Combined factor V and VIII deficiency; FAMILIAL MULTIPLE COAGULATION FACTOR DEFICIENCY I; MULTIPLE COAGULATION FACTOR DEFICIENCY I; FMFD I. Identifiers: Orphanet 35909, MedGen C4551981, MONDO:0009206, OMIM 227300.

Allele frequency attached by ClinVar (database versions not stated): TOPMed 0.00008; gnomAD 0.00010 and 0.00012; 1000 Genomes Project 30x 0.00016; ExAC 0.00032.
gnomAD v4.1: 264 of 1,613,938 alleles (0.016%); highest among the groups gnomAD compares: South Asian, 0.14%; no homozygotes.

Submissions (4):

CeGaT Center for Human Genetics Tuebingen
Classification: Likely benign. Last evaluated: 2026-02-01. Review status: criteria provided, single submitter. Criteria: CeGaT Center For Human Genetics Tuebingen Variant Classification Criteria Version 2. Collection method: clinical testing. Allele origin: germline. Affected: yes. Observed: 1 variant allele.
Comment: LMAN1: BP4, BP7

Blueprint Genetics
Classification: Likely benign. Last evaluated: 2024-10-24. Review status: criteria provided, single submitter. Criteria: ACMG Guidelines, 2015. Collection method: clinical testing. Allele origin: germline.

Illumina Laboratory Services, Illumina
Classification: Uncertain significance for Factor V and factor VIII, combined deficiency of, type 1. Last evaluated: 2018-01-13. Review status: criteria provided, single submitter. Criteria: ICSL Variant Classification Criteria 13 December 2019. Collection method: clinical testing. Allele origin: germline.

PreventionGenetics, part of Exact Sciences
Classification: Likely benign for LMAN1-related condition. Last evaluated: 2023-08-17. Review status: no assertion criteria provided. Collection method: clinical testing. Allele origin: germline. Not counted in ClinVar's aggregate classification.
Comment: This variant is classified as likely benign based on ACMG/AMP sequence variant interpretation guidelines (Richards et al. 2015 PMID: 25741868, with internal and published modifications).